The following is an entry in ClinVar:

ClinVar aggregate classification (germline): Uncertain significance (1 of 4 stars; one submission).

Submission:

Labcorp Genetics (formerly Invitae), Labcorp
Classification: Uncertain significance. Last evaluated: 2022-07-27. Review status: criteria provided, single submitter. Criteria: Invitae Variant Classification Sherloc (09022015). Collection method: clinical testing. Allele origin: germline.
Comment: In summary, the available evidence is currently insufficient to determine the role of this variant in disease. Therefore, it has been classified as a Variant of Uncertain Significance. Algorithms developed to predict the effect of missense changes on protein structure and function (SIFT, PolyPhen-2, Align-GVGD) all suggest that this variant is likely to be tolerated. This variant has not been reported in the literature in individuals affected with TOP2B-related conditions. This variant is not present in population databases (gnomAD no frequency). This sequence change replaces aspartic acid, which is acidic and polar, with glutamic acid, which is acidic and polar, at codon 1247 of the TOP2B protein (p.Asp1247Glu).

NM_001330700.2(TOP2B):c.3756T>G (p.Asp1252Glu)

Gene: TOP2B (DNA topoisomerase II beta; minus strand). Cytogenetic location: 3p24.2.
Variant type: single nucleotide variant.
Coding change: c.3756T>G on transcript NM_001330700.2 (MANE Select); coding-DNA position 3756, T replaced by G.
Protein change: p.Asp1252Glu; replaces aspartic acid 1252 with glutamic acid.
Molecular consequence: missense variant.
Genome position (GRCh38, 1-based): chr3:25,612,545, A>C on the plus strand (T>G on the coding strand, the complement: TOP2B is on the minus strand). VCF-style: chr3-25612545-A-C. GRCh37 (hg19) VCF-style: chr3-25654036-A-C.
Other names: c.3741T>G, p.Asp1247Glu (NM_001068.3); short protein forms D1247E, D1252E.
Identifiers: ClinVar variation 1713909 (VCV001713909.5), dbSNP rs2529890458, ClinGen allele CA351894688.